The following is an entry in ClinVar:

NM_001378452.1(ITPR1):c.4288A>G (p.Ile1430Val)

Gene: ITPR1 (inositol 1,4,5-trisphosphate receptor type 1; plus strand). Cytogenetic location: 3p26.1.
Variant type: single nucleotide variant.
Coding change: c.4288A>G on transcript NM_001378452.1 (MANE Select); coding-DNA position 4288, A replaced by G.
Protein change: p.Ile1430Val; replaces isoleucine 1430 with valine.
Molecular consequence: missense variant.
Genome position (GRCh38, 1-based): chr3:4,697,153, A>G. VCF-style: chr3-4697153-A-G. GRCh37 (hg19) VCF-style: chr3-4738837-A-G.
Other names: c.4216A>G, p.Ile1406Val (NM_002222.7); c.4261A>G, p.Ile1421Val (NM_001099952.4); c.4243A>G, p.Ile1415Val (NM_001168272.2); short protein forms I1406V, I1415V, I1421V, I1430V.
Identifiers: ClinVar variation 345737 (VCV000345737.19), dbSNP rs3749383, ClinGen allele CA2231949.
Genomic context (GRCh38, chr3:4,697,153, plus strand): 5'-GAGTTCCATACACACCAAGATGGTTTTTCAGAAAAGCTTCTTTCTATCTTGCAGGTTAAA[A>G]TTGCATACATTAACTTCCTGAATCACTGCTATGTGGATACAGAGGTGGAAATGAAGGAGA-3'
Protein context (NP_001365381.1, residues 1420-1440): THEDCIPEVK[Ile1430Val]AYINFLNHCY

ClinVar aggregate classification (germline): Benign/Likely benign. Review status: criteria provided, multiple submitters, no conflicts (2 of 4 stars). 5 submissions from 5 submitters: Benign (4); Likely benign (1). Last evaluated 2026-01-04.

Conditions:
Autosomal dominant cerebellar ataxia. Also called: Spinocerebellar Ataxia, Dominant. Identifiers: Orphanet 99, MedGen C4087347, MONDO:0020380.
Spinocerebellar ataxia type 29 (SCA29). Also called: CEREBELLAR ATAXIA, CONGENITAL NONPROGRESSIVE, AUTOSOMAL DOMINANT; Spinocerebellar ataxia 29, congenital nonprogressive. Identifiers: Orphanet 208513, MedGen C1861732, MONDO:0007298, OMIM 117360.
Gillespie syndrome (GLSP). Also called: Aniridia, cerebellar ataxia, and mental deficiency; Aniridia-cerebellar ataxia-intellectual disability syndrome. Identifiers: Orphanet 1065, MedGen C0431401, MONDO:0008795, OMIM 206700.
Spinocerebellar ataxia type 15/16 (SCA15). Also called: Spinocerebellar Ataxia Type 15. Identifiers: Orphanet 98769, MedGen C1847725, MONDO:0011694, OMIM 606658.

Allele frequency attached by ClinVar (database versions not stated): ESP Exome Variant Server 0.00017; gnomAD 0.00102 and 0.00136; gnomAD exomes 0.00113 and 0.00287; TOPMed 0.00161; ExAC 0.00395; 1000 Genomes Project 30x 0.00547; 1000 Genomes Project 0.00559.
gnomAD v4.1: 1,950 of 1,610,434 alleles (0.12%); highest among the groups gnomAD compares: East Asian, 3.7%; 50 homozygotes.

Submissions (5):

Labcorp Genetics (formerly Invitae), Labcorp
Classification: Benign. Last evaluated: 2026-01-04. Review status: criteria provided, single submitter. Criteria: Invitae Variant Classification Sherloc (09022015). Collection method: clinical testing. Allele origin: germline.

Athena Diagnostics
Classification: Benign. Last evaluated: 2025-10-28. Review status: criteria provided, single submitter. Criteria: Athena Diagnostics Criteria. Collection method: clinical testing. Allele origin: unknown.
Comment: The frequency of this variant in the general population is higher than would generally be expected for pathogenic variants in this gene. Computational tools predict this amino acid change may be benign.

Fulgent Genetics
Classification: Benign for Spinocerebellar ataxia type 29; Gillespie syndrome; Spinocerebellar ataxia type 15/16. Last evaluated: 2021-08-23. Review status: criteria provided, single submitter. Criteria: ACMG Guidelines, 2015. Collection method: clinical testing. Allele origin: unknown.

GeneDx
Classification: Likely benign. Last evaluated: 2020-10-22. Review status: criteria provided, single submitter. Criteria: GeneDx Variant Classification Process June 2021. Collection method: clinical testing. Allele origin: germline. Affected: yes.

Illumina Laboratory Services, Illumina
Classification: Benign for Spinocerebellar Ataxia, Dominant. Last evaluated: 2018-01-12. Review status: criteria provided, single submitter. Criteria: ICSL Variant Classification Criteria 13 December 2019. Collection method: clinical testing. Allele origin: germline.
Comment: This variant was observed in the ICSL laboratory as part of a predisposition screen in an ostensibly healthy population. It had not been previously curated by ICSL or reported in the Human Gene Mutation Database (HGMD: prior to June 1st, 2018), and was therefore a candidate for classification through an automated scoring system. Utilizing variant allele frequency, disease prevalence and penetrance estimates, and inheritance mode, an automated score was calculated to assess if this variant is too frequent to cause the disease. Based on the score and internal cut-off values, a variant classified as benign is not then subjected to further curation. The score for this variant resulted in a classification of benign for this disease.